The following is an entry in ClinVar:

ClinVar aggregate classification (germline): Likely benign. Review status: criteria provided, multiple submitters, no conflicts (2 of 4 stars). 2 submissions from 2 submitters: Likely benign (2). Last evaluated 2024-10-04.

Conditions:
Stormorken syndrome (STRMK). Also called: THROMBOCYTOPATHY, ASPLENIA, AND MIOSIS. Identifiers: Orphanet 3204, MedGen C1861451, MONDO:0008497, OMIM 185070.
Combined immunodeficiency due to STIM1 deficiency. Also called: STIM1 DEFICIENCY; IMMUNODEFICIENCY 10. Identifiers: Orphanet 169090, Orphanet 317430, MedGen C2748557, MONDO:0013008, OMIM 612783.
Myopathy with tubular aggregates (TAM). Also called: Tubular Aggregate Myopathy. Identifiers: Orphanet 2593, MedGen C0410207, MONDO:0008051.

Allele frequency attached by ClinVar (database versions not stated): gnomAD exomes 0.00001.
gnomAD v4.1: 9 of 1,614,134 alleles (0.00056%); highest among the groups gnomAD compares: Non-Finnish European, 0.00068%; no homozygotes.

Submissions (2):

Women's Health and Genetics/Laboratory Corporation of America, LabCorp
Classification: Likely benign. Last evaluated: 2024-10-04. Review status: criteria provided, single submitter. Criteria: LabCorp Variant Classification Summary - May 2015. Collection method: clinical testing. Allele origin: germline.
Comment: Variant summary: STIM1 c.140-9C>T alters a nucleotide located at a position not widely known to affect splicing. Consensus agreement among computation tools predict no significant impact on normal splicing. However, these predictions have yet to be confirmed by functional studies. The variant allele was found at a frequency of 8e-06 in 251420 control chromosomes. The available data on variant occurrences in the general population are insufficient to allow any conclusion about variant significance. To our knowledge, no occurrence of c.140-9C>T in individuals affected with STIM1-Related Disorders and no experimental evidence demonstrating its impact on protein function have been reported. ClinVar contains an entry for this variant (Variation ID: 2924799). Based on the evidence outlined above, the variant was classified as likely benign.

Labcorp Genetics (formerly Invitae), Labcorp
Classification: Likely benign for Myopathy with tubular aggregates; Combined immunodeficiency due to STIM1 deficiency; Stormorken syndrome. Last evaluated: 2024-09-09. Review status: criteria provided, single submitter. Criteria: Invitae Variant Classification Sherloc (09022015). Collection method: clinical testing. Allele origin: germline.

NM_001382567.1(STIM1):c.140-9C>T

Gene: STIM1 (stromal interaction molecule 1; plus strand). Cytogenetic location: 11p15.4.
Variant type: single nucleotide variant.
Coding change: c.140-9C>T on transcript NM_001382567.1 (MANE Select); 9 bases into the intron before coding-DNA position 140, C replaced by T.
Molecular consequence: intron variant.
Genome position (GRCh38, 1-based): chr11:3,967,543, C>T. VCF-style: chr11-3967543-C-T. GRCh37 (hg19) VCF-style: chr11-3988773-C-T.
Other names: c.140-9C>T (NM_001277962.2, NM_003156.4, NM_001382570.1 and 3 more transcripts); c.136-56330C>T (NM_001382569.1); c.-98-56330C>T (NM_001382571.1); c.-83-9C>T (NM_001382566.1, NM_001382579.1, NM_001382577.1 and 5 more transcripts); c.-219-56330C>T (NM_001382580.1, NM_001382581.1).
Identifiers: ClinVar variation 2924799 (VCV002924799.4), dbSNP rs1287089969, ClinGen allele CA597372769.